The following is an entry in ClinVar:

ClinVar aggregate classification (germline): Uncertain significance (1 of 4 stars; one submission).

Submission:

Labcorp Genetics (formerly Invitae), Labcorp
Classification: Uncertain significance. Last evaluated: 2022-03-08. Review status: criteria provided, single submitter. Criteria: Invitae Variant Classification Sherloc (09022015). Collection method: clinical testing. Allele origin: germline.
Comment: In summary, the available evidence is currently insufficient to determine the role of this variant in disease. Therefore, it has been classified as a Variant of Uncertain Significance. Experimental studies and prediction algorithms are not available or were not evaluated, and the functional significance of this variant is currently unknown. This variant has not been reported in the literature in individuals affected with SUGCT-related conditions. This variant is present in population databases (no rsID available, gnomAD 0.2%). This sequence change replaces proline, which is neutral and non-polar, with leucine, which is neutral and non-polar, at codon 398 of the SUGCT protein (p.Pro398Leu).

NM_001193313.2(SUGCT):c.1205_1206delinsTC (p.Pro402Leu)

Gene: SUGCT (succinyl-CoA:glutarate-CoA transferase; plus strand). Cytogenetic location: 7p14.1.
Variant type: Indel.
Coding change: c.1205_1206delinsTC on transcript NM_001193313.2 (MANE Select); coding-DNA positions 1205 to 1206, CG replaced by TC.
Protein change: p.Pro402Leu; replaces proline 402 with leucine.
Molecular consequence: missense variant.
Genome position (GRCh38, 1-based): chr7:40,860,367-40,860,368, CG replaced by TC. VCF-style: chr7-40860367-CG-TC. GRCh37 (hg19) VCF-style: chr7-40899966-CG-TC.
Other names: c.1283_1284delinsTC, p.Pro428Leu (NM_001193311.2); c.1061_1062delinsTC, p.Pro354Leu (NM_001193312.2); c.1172_1173delinsTC, p.Pro391Leu (NM_024728.3); short protein forms P402L, P391L, P354L, P428L.
Identifiers: ClinVar variation 1982783 (VCV001982783.4), dbSNP rs2536668114, ClinGen allele CA2580077114.